The following is an entry in ClinVar:

ClinVar aggregate classification (germline): Likely benign (1 of 4 stars; one submission).

Allele frequency attached by ClinVar (database versions not stated): TOPMed 0.00001; ExAC 0.00003; gnomAD 0.00003.

Submission:

CeGaT Center for Human Genetics Tuebingen
Classification: Likely benign. Last evaluated: 2022-05-01. Review status: criteria provided, single submitter. Criteria: CeGaT Center For Human Genetics Tuebingen Variant Classification Criteria Version 2. Collection method: clinical testing. Allele origin: germline. Affected: yes. Observed: 1 variant allele.
Comment: TLN2: BP4, BP7

NM_015059.3(TLN2):c.2865C>T (p.Val955=)

Gene: TLN2 (talin 2; plus strand). Cytogenetic location: 15q22.2.
Variant type: single nucleotide variant.
Coding change: c.2865C>T on transcript NM_015059.3 (MANE Select); coding-DNA position 2865, C replaced by T.
Protein change: p.Val955=; no amino-acid change (valine 955 retained).
Molecular consequence: synonymous variant.
Genome position (GRCh38, 1-based): chr15:62,717,677, C>T. VCF-style: chr15-62717677-C-T. GRCh37 (hg19) VCF-style: chr15-63009876-C-T.
Other names: c.2865C>T, p.Val955= (NM_001394547.1).
Identifiers: ClinVar variation 2645409 (VCV002645409.24), dbSNP rs749533144, ClinGen allele CA7599317.
Genomic context (GRCh38, chr15:62,717,677, plus strand): 5'-CGCCGCCTCCCAGAATGCAGCTGTTTCCAACAAGAACCCTGCGGCCCAGCAGCAGCTGGT[C>T]CAGAGTTGCAAGGTGAGGTTCCAGTGCACAGAGAGCCAGGTCAGCTGCAGATGACCCTGA-3'
Protein context (NP_055874.2, residues 945-965): NKNPAAQQQL[Val955=]QSCKAVADHI